The following is an entry in ClinVar:

ClinVar aggregate classification (germline): Likely pathogenic. Review status: criteria provided, single submitter (1 of 4 stars). 2 submissions from 2 submitters: Likely pathogenic (1). 1 of the submissions does not count toward it. Last evaluated 2024-01-06.

Conditions:
Combined immunodeficiency due to ZAP70 deficiency (IMD48). Also called: Immunodeficiency 48; ZAP70 Deficiency. Identifiers: Orphanet 911, MedGen C2931299, MONDO:0010023, OMIM 269840.

Allele frequency attached by ClinVar (database versions not stated): gnomAD exomes below 0.00001.
gnomAD v4.1: 8 of 1,613,962 alleles (0.0005%); highest among the groups gnomAD compares: Middle Eastern, 0.033%; 1 homozygote.

Submissions (2):

Labcorp Genetics (formerly Invitae), Labcorp
Classification: Likely pathogenic for Combined immunodeficiency due to ZAP70 deficiency. Last evaluated: 2024-01-06. Review status: criteria provided, single submitter. Criteria: Invitae Variant Classification Sherloc (09022015). Collection method: clinical testing. Allele origin: germline.
Comment: This sequence change affects codon 355 of the ZAP70 mRNA. It is a 'silent' change, meaning that it does not change the encoded amino acid sequence of the ZAP70 protein. RNA analysis indicates that this variant induces altered splicing and may result in an absent or disrupted protein product. This variant is present in population databases (rs201207626, gnomAD 0.006%). This variant has been observed in individual(s) with combined immunodeficiency (PMID: 28216435). This variant is also known as c.1272C>T. ClinVar contains an entry for this variant (Variation ID: 1300183). Algorithms developed to predict the effect of variants on protein structure and function are not available or were not evaluated for this variant. Experimental studies have shown that this variant affects ZAP70 function (PMID: 28216435). Studies have shown that this variant results in activation of a cryptic splice site and introduces a premature termination codon (PMID: 28216435). The resulting mRNA is expected to undergo nonsense-mediated decay. In summary, the currently available evidence indicates that the variant is pathogenic, but additional data are needed to prove that conclusively. Therefore, this variant has been classified as Likely Pathogenic.

GeneReviews
No classification provided. Condition: Combined immunodeficiency due to ZAP70 deficiency. Review status: no classification provided. Collection method: literature only. Allele origin: germline. Not counted in ClinVar's aggregate classification.
Comment: The variant is predicted to be silent (p.Gly355=) but has been demonstrated to result in a splicing defect [Gavino et al 2017].

Literature cited by the submitters: PubMed 28216435 (cited by Labcorp Genetics (formerly Invitae), Labcorp and GeneReviews).

NM_001079.4(ZAP70):c.1065C>T (p.Gly355=)

Gene: ZAP70 (zeta chain of T cell receptor associated protein kinase 70; plus strand). Cytogenetic location: 2q11.2.
Variant type: single nucleotide variant.
Coding change: c.1065C>T on transcript NM_001079.4 (MANE Select); coding-DNA position 1065, C replaced by T.
Protein change: p.Gly355=; no amino-acid change (glycine 355 retained).
Molecular consequence: synonymous variant.
Genome position (GRCh38, 1-based): chr2:97,734,695, C>T. VCF-style: chr2-97734695-C-T. GRCh37 (hg19) VCF-style: chr2-98351158-C-T.
Other names: c.1272C>T; c.1065C>T, p.Gly355= (NM_001378594.1); c.144C>T, p.Gly48= (NM_207519.2).
Identifiers: ClinVar variation 1300183 (VCV001300183.5), dbSNP rs201207626, ClinGen allele CA52560565.